The following is an entry in ClinVar:

ClinVar aggregate classification (germline): Pathogenic. Review status: criteria provided, multiple submitters, no conflicts (2 of 4 stars). 2 submissions from 2 submitters: Pathogenic (2). Last evaluated 2024-07-11.

Conditions:
ABCA4-related disorder. Also called: ABCA4-related condition; ABCA4-related disorders. Identifiers: MedGen CN239167.

gnomAD v4.1: 5 of 1,551,794 alleles (0.00032%); highest among the groups gnomAD compares: Non-Finnish European, 0.00044%; no homozygotes.

Submissions (2):

Blueprint Genetics
Classification: Pathogenic for ABCA4-related disorders. Last evaluated: 2024-07-11. Review status: criteria provided, single submitter. Criteria: ACMG Guidelines, 2015. Collection method: clinical testing. Allele origin: germline. Affected: yes. Observed: 4 variant alleles.

Labcorp Genetics (formerly Invitae), Labcorp
Classification: Pathogenic. Last evaluated: 2024-01-22. Review status: criteria provided, single submitter. Criteria: Invitae Variant Classification Sherloc (09022015). Collection method: clinical testing. Allele origin: germline.
Comment: This sequence change replaces proline, which is neutral and non-polar, with arginine, which is basic and polar, at codon 1511 of the ABCA4 protein (p.Pro1511Arg). This variant is not present in population databases (gnomAD no frequency). This missense change has been observed in individuals with clinical features of ABCA4-related conditions (PMID: 20647261, 24154662, 28559085; Invitae). ClinVar contains an entry for this variant (Variation ID: 857006). Advanced modeling of protein sequence and biophysical properties (such as structural, functional, and spatial information, amino acid conservation, physicochemical variation, residue mobility, and thermodynamic stability) performed at Invitae indicates that this missense variant is expected to disrupt ABCA4 protein function with a positive predictive value of 95%. This variant disrupts the p.Pro1511 amino acid residue in ABCA4. Other variant(s) that disrupt this residue have been determined to be pathogenic (PMID: 22427542, 26780318, 29925512; Invitae). This suggests that this residue is clinically significant, and that variants that disrupt this residue are likely to be disease-causing. For these reasons, this variant has been classified as Pathogenic.

Literature cited by the submitters: PubMed 20647261 (cited by Labcorp Genetics (formerly Invitae), Labcorp); PubMed 24154662 (cited by Labcorp Genetics (formerly Invitae), Labcorp); PubMed 28559085 (cited by Labcorp Genetics (formerly Invitae), Labcorp); PubMed 22427542 (cited by Labcorp Genetics (formerly Invitae), Labcorp); PubMed 26780318 (cited by Labcorp Genetics (formerly Invitae), Labcorp); PubMed 29925512 (cited by Labcorp Genetics (formerly Invitae), Labcorp).

NM_000350.3(ABCA4):c.4532C>G (p.Pro1511Arg)

Gene: ABCA4 (ATP binding cassette subfamily A member 4; minus strand). Cytogenetic location: 1p22.1.
Variant type: single nucleotide variant.
Coding change: c.4532C>G on transcript NM_000350.3 (MANE Select); coding-DNA position 4532, C replaced by G.
Protein change: p.Pro1511Arg; replaces proline 1511 with arginine.
Molecular consequence: missense variant.
Genome position (GRCh38, 1-based): chr1:94,029,452, G>C on the plus strand (C>G on the coding strand, the complement: ABCA4 is on the minus strand). VCF-style: chr1-94029452-G-C. GRCh37 (hg19) VCF-style: chr1-94495008-G-C.
Other names: c.4310C>G, p.Pro1437Arg (NM_001425324.1); short protein forms P1511R, P1437R.
Identifiers: ClinVar variation 857006 (VCV000857006.10), dbSNP rs886046564, ClinGen allele CA341284773.